The following is an entry in ClinVar:

NM_004369.4(COL6A3):c.5833G>C (p.Val1945Leu)

Gene: COL6A3 (collagen type VI alpha 3 chain; minus strand). Cytogenetic location: 2q37.3.
Variant type: single nucleotide variant.
Coding change: c.5833G>C on transcript NM_004369.4 (MANE Select); coding-DNA position 5833, G replaced by C.
Protein change: p.Val1945Leu; replaces valine 1945 with leucine.
Molecular consequence: missense variant.
Genome position (GRCh38, 1-based): chr2:237,365,703, C>G on the plus strand (G>C on the coding strand, the complement: COL6A3 is on the minus strand). VCF-style: chr2-237365703-C-G. GRCh37 (hg19) VCF-style: chr2-238274346-C-G.
Other names: c.4012G>C, p.Val1338Leu (NM_057166.5); c.5215G>C, p.Val1739Leu (NM_057167.4); short protein forms V1945L, V1338L, V1739L.
Identifiers: ClinVar variation 281820 (VCV000281820.72), dbSNP rs113332380, ClinGen allele CA2188570.

ClinVar aggregate classification (germline): Conflicting classifications of pathogenicity. Review status: criteria provided, conflicting classifications (1 of 4 stars). 10 submissions from 10 submitters: Uncertain significance (6); Benign (1); Likely benign (1). 2 of the submissions do not count toward it. Last evaluated 2026-02-23.

Conditions:
COL6A3-related disorder. Also called: COL6A3-related disorders; COL6A3-related condition.
Dystonia 27 (DYT27). Identifiers: Orphanet 464440, MedGen C4225336, MONDO:0014627, OMIM 616411.
Collagen 6-related myopathy. Identifiers: MedGen CN117976, MONDO:0100225.
Bethlem myopathy 1A. Also called: Bethlem myopathy 1; MYOPATHY, BENIGN CONGENITAL, WITH CONTRACTURES; Bethlem Muscular Dystrophy. Identifiers: Orphanet 610, MedGen CN029274, MONDO:0024530, OMIM 158810.

Allele frequency attached by ClinVar (database versions not stated): ESP Exome Variant Server 0.00023; gnomAD 0.00029; TOPMed 0.00033; 1000 Genomes Project 30x 0.00062.
gnomAD v4.1: 547 of 1,614,172 alleles (0.034%); highest among the groups gnomAD compares: Middle Eastern, 0.082%; 1 homozygote.

Submissions (10):

PreventionGenetics, part of Exact Sciences
Classification: Uncertain significance for COL6A3-related condition. Last evaluated: 2026-02-23. Review status: criteria provided, single submitter. Criteria: ACMG Guidelines, 2015. Collection method: clinical testing. Allele origin: germline.
Comment: The COL6A3 c.5833G>C variant is predicted to result in the amino acid substitution p.Val1945Leu. This variant has been observed in the heterozygous state in an individual from a large cohort of patients with limb-girdle muscular dystrophy 1A (LGMD1A) and reported as a variant of uncertain significance (Table S7, Nallamilli et al. 2018. PubMed ID: 30564623). This variant is reported in 0.049% of alleles in individuals of European (Non-Finnish) descent in gnomAD. At this time, the clinical significance of this variant is uncertain due to the absence of conclusive functional and genetic evidence.

GeneDx
Classification: Uncertain significance. Last evaluated: 2026-01-26. Review status: criteria provided, single submitter. Criteria: GeneDx Variant Classification Process June 2021. Collection method: clinical testing. Allele origin: germline. Affected: yes.
Comment: Reported previously in an individual with developmental delay and hypotonia and in another individual with suspected limb-girdle muscular dystrophy; however, detailed clinical and segregation information was not provided (PMID: 26284228, 30564623); In silico analysis suggests that this missense variant does not alter protein structure/function; This variant is associated with the following publications: (PMID: 30564623, 26284228, 41515599)

Labcorp Genetics (formerly Invitae), Labcorp
Classification: Likely benign for Bethlem myopathy 1A. Last evaluated: 2026-01-24. Review status: criteria provided, single submitter. Criteria: Invitae Variant Classification Sherloc (09022015). Collection method: clinical testing. Allele origin: germline.

CeGaT Center for Human Genetics Tuebingen
Classification: Uncertain significance. Last evaluated: 2025-08-01. Review status: criteria provided, single submitter. Criteria: CeGaT Center For Human Genetics Tuebingen Variant Classification Criteria Version 2. Collection method: clinical testing. Allele origin: germline. Affected: yes. Observed: 2 variant alleles.
Comment: COL6A3: PM2, BP4

Mayo Clinic Laboratories, Mayo Clinic
Classification: Uncertain significance. Last evaluated: 2024-11-20. Review status: criteria provided, single submitter. Criteria: ACMG Guidelines, 2015. Collection method: clinical testing. Allele origin: germline. Observed: 2 variant alleles.
Comment: BP4

Department of Pathology and Laboratory Medicine, Sinai Health System
Classification: Uncertain significance for dystonia 27. Last evaluated: 2023-05-10. Review status: criteria provided, single submitter. Criteria: ACMG Guidelines, 2015. Collection method: research. Allele origin: germline.

Illumina Laboratory Services, Illumina
Classification: Benign for Collagen VI-related myopathy. Last evaluated: 2017-07-25. Review status: criteria provided, single submitter. Criteria: ICSL Variant Classification Criteria 13 December 2019. Collection method: clinical testing. Allele origin: germline.
Comment: This variant was observed as part of a predisposition screen in an ostensibly healthy population. A literature search was performed for the gene, cDNA change, and amino acid change (where applicable). Publications were found based on this search. The evidence from the literature, in combination with allele frequency data from public databases where available, was sufficient to rule this variant out of causing disease. Therefore, this variant is classified as benign.

Eurofins Ntd Llc (ga)
Classification: Uncertain significance. Last evaluated: 2016-12-19. Review status: criteria provided, single submitter. Criteria: EGL Classification Definitions 2015. Collection method: clinical testing. Allele origin: germline. Observed: 6 variant alleles, 6 heterozygotes.

Clinical Genetics DNA and cytogenetics Diagnostics Lab, Erasmus MC, Erasmus Medical Center
Classification: Uncertain significance. Review status: no assertion criteria provided. Collection method: clinical testing. Allele origin: germline. Affected: yes. Study: VKGL Data-share Consensus. Not counted in ClinVar's aggregate classification.

Genome Diagnostics Laboratory, Amsterdam University Medical Center
Classification: Uncertain significance. Review status: no assertion criteria provided. Collection method: clinical testing. Allele origin: germline. Affected: yes. Study: VKGL Data-share Consensus. Not counted in ClinVar's aggregate classification.

Literature cited by the submitters: PubMed 30564623 (cited by Mayo Clinic Laboratories, Mayo Clinic); PubMed 26284228 (cited by Illumina Laboratory Services, Illumina).